The following is an entry in ClinVar:

ClinVar aggregate classification (germline): Benign (0 of 4 stars; one submission).

Conditions:
MUC16-related disorder. Also called: MUC16-related condition.

Allele frequency attached by ClinVar (database versions not stated): ESP Exome Variant Server 0.07974; TOPMed 0.08244; gnomAD 0.08345; 1000 Genomes Project 30x 0.08869; 1000 Genomes Project 0.08966; ExAC 0.10922.

Submission:

PreventionGenetics, part of Exact Sciences
Classification: Benign for MUC16-related condition. Last evaluated: 2019-10-30. Review status: no assertion criteria provided. Collection method: clinical testing. Allele origin: germline.
Comment: This variant is classified as benign based on ACMG/AMP sequence variant interpretation guidelines (Richards et al. 2015 PMID: 25741868, with internal and published modifications).

NM_001401501.2(MUC16):c.37528G>A (p.Glu12510Lys)

Gene: MUC16 (mucin 16, cell surface associated; minus strand). Cytogenetic location: 19p13.2.
Variant type: single nucleotide variant.
Coding change: c.37528G>A on transcript NM_001401501.2 (MANE Select); coding-DNA position 37528, G replaced by A.
Protein change: p.Glu12510Lys; replaces glutamic acid 12510 with lysine.
Molecular consequence: missense variant.
Genome position (GRCh38, 1-based): chr19:8,909,477, C>T on the plus strand (G>A on the coding strand, the complement: MUC16 is on the minus strand). VCF-style: chr19-8909477-C-T. GRCh37 (hg19) VCF-style: chr19-9020153-C-T.
Other names: c.37954G>A, p.Glu12652Lys (NM_001414686.1); c.37408G>A, p.Glu12470Lys (NM_001414687.1); c.37342G>A, p.Glu12448Lys (NM_024690.2); short protein forms E12448K, E12470K, E12510K, E12652K.
Identifiers: ClinVar variation 3055279 (VCV003055279.2), dbSNP rs75217292, ClinGen allele CA9165205.